The following is an entry in ClinVar:

ClinVar aggregate classification (germline): Uncertain significance (1 of 4 stars; one submission).

Conditions:
Chédiak-Higashi syndrome (CHS). Also called: Chediak-Higashi Syndrome. Identifiers: Orphanet 167, MedGen C0007965, MONDO:0008963, OMIM 214500.

Allele frequency attached by ClinVar (database versions not stated): gnomAD exomes below 0.00001.
gnomAD v4.1: 2 of 1,613,022 alleles (0.00012%); highest among the groups gnomAD compares: Non-Finnish European, 0.000085%; no homozygotes.

Submission:

Labcorp Genetics (formerly Invitae), Labcorp
Classification: Uncertain significance for Chédiak-Higashi syndrome. Last evaluated: 2022-02-03. Review status: criteria provided, single submitter. Criteria: Invitae Variant Classification Sherloc (09022015). Collection method: clinical testing. Allele origin: germline.
Comment: In summary, the available evidence is currently insufficient to determine the role of this variant in disease. Therefore, it has been classified as a Variant of Uncertain Significance. Algorithms developed to predict the effect of missense changes on protein structure and function (SIFT, PolyPhen-2, Align-GVGD) all suggest that this variant is likely to be tolerated. ClinVar contains an entry for this variant (Variation ID: 842742). This variant has not been reported in the literature in individuals affected with LYST-related conditions. This variant is not present in population databases (gnomAD no frequency). This sequence change replaces proline, which is neutral and non-polar, with leucine, which is neutral and non-polar, at codon 2068 of the LYST protein (p.Pro2068Leu).

NM_000081.4(LYST):c.6203C>T (p.Pro2068Leu)

Gene: LYST (lysosomal trafficking regulator; minus strand). Cytogenetic location: 1q42.3.
Variant type: single nucleotide variant.
Coding change: c.6203C>T on transcript NM_000081.4 (MANE Select); coding-DNA position 6203, C replaced by T.
Protein change: p.Pro2068Leu; replaces proline 2068 with leucine.
Molecular consequence: missense variant.
Genome position (GRCh38, 1-based): chr1:235,762,770, G>A on the plus strand (C>T on the coding strand, the complement: LYST is on the minus strand). VCF-style: chr1-235762770-G-A. GRCh37 (hg19) VCF-style: chr1-235926070-G-A.
Other names: c.6203C>T, p.Pro2068Leu (NM_001301365.1); short protein forms P2068L.
Identifiers: ClinVar variation 842742 (VCV000842742.6), dbSNP rs2527844613, ClinGen allele CA344944967.